The following is an entry in ClinVar:

ClinVar aggregate classification (germline): Uncertain significance (1 of 4 stars; one submission).

Submission:

Labcorp Genetics (formerly Invitae), Labcorp
Classification: Uncertain significance. Last evaluated: 2021-06-12. Review status: criteria provided, single submitter. Criteria: Invitae Variant Classification Sherloc (09022015). Collection method: clinical testing. Allele origin: germline.
Comment: In summary, the available evidence is currently insufficient to determine the role of this variant in disease. Therefore, it has been classified as a Variant of Uncertain Significance. Algorithms developed to predict the effect of missense changes on protein structure and function (SIFT, PolyPhen-2, Align-GVGD) all suggest that this variant is likely to be tolerated, but these predictions have not been confirmed by published functional studies and their clinical significance is uncertain. This variant has not been reported in the literature in individuals with GDF5-related conditions. This variant is not present in population databases (ExAC no frequency). This sequence change replaces valine with isoleucine at codon 336 of the GDF5 protein (p.Val336Ile). The valine residue is moderately conserved and there is a small physicochemical difference between valine and isoleucine.

NM_000557.5(GDF5):c.1006G>A (p.Val336Ile)

Genes: GDF5 (growth differentiation factor 5; minus strand), GDF5-AS1 (GDF5 antisense RNA 1; plus strand). Cytogenetic location: 20q11.22.
Variant type: single nucleotide variant.
Coding change: c.1006G>A on transcript NM_000557.5 (MANE Select); coding-DNA position 1006, G replaced by A.
Protein change: p.Val336Ile; replaces valine 336 with isoleucine.
Molecular consequence: missense variant. On other transcripts: non-coding transcript variant (1).
Genome position (GRCh38, 1-based): chr20:35,434,409, C>T on the plus strand (G>A on the coding strand, the complement: GDF5 is on the minus strand). VCF-style: chr20-35434409-C-T. GRCh37 (hg19) VCF-style: chr20-34022207-C-T.
Other names: c.1006G>A, p.Val336Ile (NM_001319138.2); short protein forms V336I.
Identifiers: ClinVar variation 1432852 (VCV001432852.8), dbSNP rs2146579220, ClinGen allele CA408740527.
Genomic context (GRCh38, chr20:35,434,409, plus strand): 5'-TAAAGAACAGGTCCCGTTTCTTGGTGCGGCCAAACACCAGGAACAGGGCTTTCTCGTGGA[C>T]CTGCCGGGCGGCGCGGTCGAAGCCCAGGCCACGGAGGTCCACGGCCCTGCCCCGTTCCCA-3'
Protein context (NP_000548.2, residues 326-346): GLGFDRAARQ[Val336Ile]HEKALFLVFG